The following is an entry in ClinVar:

NM_000053.4(ATP7B):c.4327G>A (p.Ala1443Thr)

Gene: ATP7B (ATPase copper transporting beta; minus strand). Cytogenetic location: 13q14.3.
Variant type: single nucleotide variant.
Coding change: c.4327G>A on transcript NM_000053.4 (MANE Select); coding-DNA position 4327, G replaced by A.
Protein change: p.Ala1443Thr; replaces alanine 1443 with threonine.
Molecular consequence: missense variant.
Genome position (GRCh38, 1-based): chr13:51,934,827, C>T on the plus strand (G>A on the coding strand, the complement: ATP7B is on the minus strand). VCF-style: chr13-51934827-C-T. GRCh37 (hg19) VCF-style: chr13-52508963-C-T.
Other names: p.Ala1443Thr; c.3706G>A, p.Ala1236Thr (NM_001005918.3); c.3994G>A, p.Ala1332Thr (NM_001243182.2); c.4093G>A, p.Ala1365Thr (NM_001330578.2, NM_001406527.1, NM_001406528.1); c.4075G>A, p.Ala1359Thr (NM_001330579.2, NM_001406531.1, NM_001406532.1); c.4327G>A, p.Ala1443Thr (NM_001406511.1, NM_001406512.1); c.4321G>A, p.Ala1441Thr (NM_001406513.1); c.4294G>A, p.Ala1432Thr (NM_001406514.1); and 22 more; short protein forms A1216T, A1279T, A1332T, A1249T, A1359T, A1375T, A1382T, A1395T.
Identifiers: ClinVar variation 2156192 (VCV002156192.4), dbSNP rs764383437, ClinGen allele CA6988419.

ClinVar aggregate classification (germline): Uncertain significance. Review status: criteria provided, multiple submitters, no conflicts (2 of 4 stars). 4 submissions from 4 submitters: Uncertain significance (4). Last evaluated 2026-02-20.

Conditions:
Wilson disease (WND). Also called: Wilson's disease. Identifiers: Orphanet 905, MedGen C0019202, MONDO:0010200, OMIM 277900. Disease mechanism: loss of function.

Allele frequency attached by ClinVar (database versions not stated): gnomAD 0.00001; gnomAD exomes 0.00001; TOPMed 0.00001; ExAC 0.00002.
gnomAD v4.1: 13 of 1,614,080 alleles (0.00081%); highest among the groups gnomAD compares: African/African-American, 0.0027%; no homozygotes.

Submissions (4):

Women's Health and Genetics/Laboratory Corporation of America, LabCorp
Classification: Uncertain significance. Last evaluated: 2026-02-20. Review status: criteria provided, single submitter. Criteria: LabCorp Variant Classification Summary - May 2015. Collection method: clinical testing. Allele origin: germline.

All of Us Research Program, National Institutes of Health
Classification: Uncertain significance for Wilson disease. Last evaluated: 2023-08-15. Review status: criteria provided, single submitter. Criteria: ACMG Guidelines, 2015. Collection method: clinical testing. Allele origin: germline. Inheritance: Autosomal recessive inheritance. Observed: 3 variant alleles, 3 heterozygotes.
Comment: This missense variant replaces alanine with threonine at codon 1443 of the ATP7B protein. Computational prediction suggests that this variant may not impact protein structure and function (internally defined REVEL score threshold <= 0.5, PMID: 27666373). To our knowledge, functional studies have not been reported for this variant. This variant has not been reported in individuals affected with Wilson disease in the literature. This variant has been identified in 4/280948 chromosomes in the general population by the Genome Aggregation Database (gnomAD). The available evidence is insufficient to determine the role of this variant in disease conclusively. Therefore, this variant is classified as a Variant of Uncertain Significance.

This study involves interpretation of variants in research participants for the purpose of population health screening. Participant phenotype was not available at the time of variant classification. Additional details can be found in publication PMID: 35346344, PMCID: PMC8962531

Mayo Clinic Laboratories, Mayo Clinic
Classification: Uncertain significance. Last evaluated: 2023-08-15. Review status: criteria provided, single submitter. Criteria: ACMG Guidelines, 2015. Collection method: clinical testing. Allele origin: germline. Observed: 1 variant allele.
Comment: BP4, PM2_moderate

Labcorp Genetics (formerly Invitae), Labcorp
Classification: Uncertain significance for Wilson disease. Last evaluated: 2022-07-01. Review status: criteria provided, single submitter. Criteria: Invitae Variant Classification Sherloc (09022015). Collection method: clinical testing. Allele origin: germline.
Comment: This sequence change replaces alanine, which is neutral and non-polar, with threonine, which is neutral and polar, at codon 1443 of the ATP7B protein (p.Ala1443Thr). This variant is present in population databases (rs764383437, gnomAD 0.003%). This variant has not been reported in the literature in individuals affected with ATP7B-related conditions. Advanced modeling of protein sequence and biophysical properties (such as structural, functional, and spatial information, amino acid conservation, physicochemical variation, residue mobility, and thermodynamic stability) performed at Invitae indicates that this missense variant is not expected to disrupt ATP7B protein function. In summary, the available evidence is currently insufficient to determine the role of this variant in disease. Therefore, it has been classified as a Variant of Uncertain Significance.